The following is an entry in ClinVar:

ClinVar aggregate classification (germline): Pathogenic (1 of 4 stars; one submission).

Conditions:
Hereditary spastic paraplegia 4. Also called: Spastic Paraplegia 4; Spastic paraplegia 4, autosomal dominant; Familial spastic paraplegia autosomal dominant 2. Identifiers: Orphanet 100985, MedGen C1866855, MONDO:0008438, OMIM 182601.

Submission:

Labcorp Genetics (formerly Invitae), Labcorp
Classification: Pathogenic for Hereditary spastic paraplegia 4. Last evaluated: 2023-07-04. Review status: criteria provided, single submitter. Criteria: Invitae Variant Classification Sherloc (09022015). Collection method: clinical testing. Allele origin: germline.
Comment: This sequence change creates a premature translational stop signal (p.Tyr269*) in the SPAST gene. It is expected to result in an absent or disrupted protein product. Loss-of-function variants in SPAST are known to be pathogenic (PMID: 20932283). This variant is not present in population databases (gnomAD no frequency). This premature translational stop signal has been observed in individual(s) with SPAST-related conditions (PMID: 16684598). This variant is also known as SPG4 p.Tyr269X. ClinVar contains an entry for this variant (Variation ID: 2013937). For these reasons, this variant has been classified as Pathogenic.

Literature cited by the submitters: PubMed 20932283; PubMed 16684598.

NM_014946.4(SPAST):c.803_806dup (p.Tyr269Ter)

Gene: SPAST (spastin; plus strand). Cytogenetic location: 2p22.3.
Variant type: Duplication.
Coding change: c.803_806dup on transcript NM_014946.4 (MANE Select); coding-DNA positions 803 to 806, 4 bases duplicated (GTTA; older notation c.803_806dupGTTA).
Protein change: p.Tyr269Ter; replaces tyrosine 269 with a stop codon.
Molecular consequence: nonsense.
Genome position (GRCh38, 1-based): chr2:32,114,758-32,114,761, GTTA duplicated; duplicating any 4 consecutive bases within chr2:32,114,756-32,114,761 gives the same sequence; the c. name uses the placement nearest the transcript's 3' end. VCF-style (leftmost placement, unchanged base first): chr2-32114755-C-CTAGT. GRCh37 (hg19) VCF-style: chr2-32339824-C-CTAGT.
Other names: c.800_803dup, p.Tyr268Ter (NM_001363823.2); c.704_707dup, p.Tyr236Ter (NM_001363875.2); c.707_710dup, p.Tyr237Ter (NM_001377959.1, NM_199436.2); short protein forms Y269*, Y236*, Y237*, Y268*.
Identifiers: ClinVar variation 2013937 (VCV002013937.4), dbSNP rs2465835379, ClinGen allele CA2580066372.